The following is an entry in ClinVar:

ClinVar aggregate classification (germline): Likely benign. Review status: criteria provided, multiple submitters, no conflicts (2 of 4 stars). 3 submissions from 3 submitters: Likely benign (2). 1 of the submissions does not count toward it. Last evaluated 2025-06-12.

Conditions:
B9D2-related disorder. Also called: B9D2-related condition.
Meckel-Gruber syndrome. Also called: DYSENCEPHALIA SPLANCHNOCYSTICA; GRUBER SYNDROME; Dysencephalia splachnocystica. Identifiers: Orphanet 564, MedGen C0265215, MONDO:0018921.
Joubert syndrome. Also called: JOUBERT-BOLTSHAUSER SYNDROME; Familial aplasia of the vermis. Identifiers: Orphanet 475, MedGen C5979921, MONDO:0018772.

Allele frequency attached by ClinVar (database versions not stated): ExAC 0.00008; gnomAD exomes 0.00009; 1000 Genomes Project 30x 0.00016; 1000 Genomes Project 0.00020; gnomAD 0.00024 and 0.00027; ESP Exome Variant Server 0.00031; TOPMed 0.00029.
gnomAD v4.1: 83 of 1,613,696 alleles (0.0051%); highest among the groups gnomAD compares: African/African-American, 0.096%; no homozygotes.

Submissions (3):

Labcorp Genetics (formerly Invitae), Labcorp
Classification: Likely benign for Joubert syndrome; Meckel-Gruber syndrome. Last evaluated: 2025-06-12. Review status: criteria provided, single submitter. Criteria: Invitae Variant Classification Sherloc (09022015). Collection method: clinical testing. Allele origin: germline.

Blueprint Genetics
Classification: Likely benign. Last evaluated: 2023-01-12. Review status: criteria provided, single submitter. Criteria: ACMG Guidelines, 2015. Collection method: clinical testing. Allele origin: germline.

PreventionGenetics, part of Exact Sciences
Classification: Likely benign for B9D2-related condition. Last evaluated: 2019-04-29. Review status: no assertion criteria provided. Collection method: clinical testing. Allele origin: germline. Not counted in ClinVar's aggregate classification.
Comment: This variant is classified as likely benign based on ACMG/AMP sequence variant interpretation guidelines (Richards et al. 2015 PMID: 25741868, with internal and published modifications).

NM_030578.4(B9D2):c.336G>A (p.Thr112=)

Gene: B9D2 (B9 domain containing 2; minus strand). Cytogenetic location: 19q13.2.
Variant type: single nucleotide variant.
Coding change: c.336G>A on transcript NM_030578.4 (MANE Select); coding-DNA position 336, G replaced by A.
Protein change: p.Thr112=; no amino-acid change (threonine 112 retained).
Molecular consequence: synonymous variant.
Genome position (GRCh38, 1-based): chr19:41,354,892, C>T on the plus strand (G>A on the coding strand, the complement: B9D2 is on the minus strand). VCF-style: chr19-41354892-C-T. GRCh37 (hg19) VCF-style: chr19-41860797-C-T.
Identifiers: ClinVar variation 699099 (VCV000699099.11), dbSNP rs139072904, ClinGen allele CA9460275.